The following is an entry in ClinVar:

ClinVar aggregate classification (germline): Benign. Review status: criteria provided, multiple submitters, no conflicts (2 of 4 stars). 5 submissions from 5 submitters: Benign (5). Last evaluated 2026-01-24.

Allele frequency attached by ClinVar (database versions not stated): gnomAD exomes 0.00552; ExAC 0.00671; ESP Exome Variant Server 0.02003; gnomAD 0.02086 and 0.02202; TOPMed 0.02388; 1000 Genomes Project 0.02915; 1000 Genomes Project 30x 0.03029.
gnomAD v4.1: 6,351 of 1,612,654 alleles (0.39%); highest among the groups gnomAD compares: African/African-American, 7.3%; 216 homozygotes.

Submissions (5):

Labcorp Genetics (formerly Invitae), Labcorp
Classification: Benign. Last evaluated: 2026-01-24. Review status: criteria provided, single submitter. Criteria: Invitae Variant Classification Sherloc (09022015). Collection method: clinical testing. Allele origin: germline.

Mayo Clinic Laboratories, Mayo Clinic
Classification: Benign. Last evaluated: 2020-10-05. Review status: criteria provided, single submitter. Criteria: ACMG Guidelines, 2015. Collection method: clinical testing. Allele origin: germline. Observed: 2 variant alleles.

GeneDx
Classification: Benign. Last evaluated: 2017-12-18. Review status: criteria provided, single submitter. Criteria: GeneDx Variant Classification (06012015). Collection method: clinical testing. Allele origin: germline. Affected: yes.
Comment: This variant is considered likely benign or benign based on one or more of the following criteria: it is a conservative change, it occurs at a poorly conserved position in the protein, it is predicted to be benign by multiple in silico algorithms, and/or has population frequency not consistent with disease.

Laboratory for Molecular Medicine, Mass General Brigham Personalized Medicine
Classification: Benign. Last evaluated: 2014-11-24. Review status: criteria provided, single submitter. Criteria: LMM Criteria. Collection method: clinical testing. Allele origin: germline. Observed: 14 variant alleles.
Comment: Val650Ile in exon 18 of OTOGL: This variant is not expected to have clinical sig nificance because it has been identified in 6.3% (240/3792) of African American chromosomes from a broad population by the NHLBI Exome Sequencing Project (dbSNP rs76258355).

Breakthrough Genomics
Classification: Benign. Review status: criteria provided, single submitter. Criteria: ACMG Guidelines, 2015. Collection method: not provided. Allele origin: germline. Inheritance: Autosomal recessive inheritance. Affected: yes.

NM_001378609.3(OTOGL):c.1975G>A (p.Val659Ile)

Gene: OTOGL (otogelin like; plus strand). Cytogenetic location: 12q21.31.
Variant type: single nucleotide variant.
Coding change: c.1975G>A on transcript NM_001378609.3 (MANE Select); coding-DNA position 1975, G replaced by A.
Protein change: p.Val659Ile; replaces valine 659 with isoleucine.
Molecular consequence: missense variant.
Genome position (GRCh38, 1-based): chr12:80,262,054, G>A. VCF-style: chr12-80262054-G-A. GRCh37 (hg19) VCF-style: chr12-80655834-G-A.
Other names: c.1975G>A, p.Val659Ile (NM_001368062.3, NM_001378610.3, NM_173591.7); short protein forms V650I, V659I.
Identifiers: ClinVar variation 226930 (VCV000226930.17), dbSNP rs76258355, ClinGen allele CA6700633.
Genomic context (GRCh38, chr12:80,262,054, plus strand): 5'-ACACCACAACTTCACGCAAATGCGTGGAGAGTTTCTTCTACCTGTTTTGCACCTGTTCAT[G>A]TCCCAGTGGTGGACCCCTGTAACATCAATCAACAAAACAGTAAGTTTTGCATGTAAACTT-3'
Protein context (NP_001365538.2, residues 649-669): VSSTCFAPVH[Val659Ile]PVVDPCNINQ